The following is an entry in ClinVar:

ClinVar aggregate classification (germline): Uncertain significance (1 of 4 stars; one submission).

Allele frequency attached by ClinVar (database versions not stated): TOPMed below 0.00001; gnomAD 0.00001.
gnomAD v4.1: 3 of 1,612,914 alleles (0.00019%); highest among the groups gnomAD compares: East Asian, 0.0022%; no homozygotes.

Submission:

CeGaT Center for Human Genetics Tuebingen
Classification: Uncertain significance. Last evaluated: 2023-06-01. Review status: criteria provided, single submitter. Criteria: CeGaT Center For Human Genetics Tuebingen Variant Classification Criteria Version 2. Collection method: clinical testing. Allele origin: germline. Affected: yes. Observed: 1 variant allele.
Comment: LAMA5: PM2

NM_005560.6(LAMA5):c.4817A>G (p.Lys1606Arg)

Gene: LAMA5 (laminin subunit alpha 5; minus strand). Cytogenetic location: 20q13.33.
Variant type: single nucleotide variant.
Coding change: c.4817A>G on transcript NM_005560.6 (MANE Select); coding-DNA position 4817, A replaced by G.
Protein change: p.Lys1606Arg; replaces lysine 1606 with arginine.
Molecular consequence: missense variant.
Genome position (GRCh38, 1-based): chr20:62,327,650, T>C on the plus strand (A>G on the coding strand, the complement: LAMA5 is on the minus strand). VCF-style: chr20-62327650-T-C. GRCh37 (hg19) VCF-style: chr20-60902706-T-C.
Other names: short protein forms K1606R.
Identifiers: ClinVar variation 2652485 (VCV002652485.24), dbSNP rs1295372787, ClinGen allele CA409564963.